The following is an entry in ClinVar:

ClinVar aggregate classification (germline): Uncertain significance (1 of 4 stars; one submission).

Allele frequency attached by ClinVar (database versions not stated): ExAC 0.00001.
gnomAD v4.1: 1 of 1,612,702 alleles (0.000062%); highest among the groups gnomAD compares: South Asian, 0.0011%; no homozygotes.

Submission:

Labcorp Genetics (formerly Invitae), Labcorp
Classification: Uncertain significance. Last evaluated: 2023-10-04. Review status: criteria provided, single submitter. Criteria: Invitae Variant Classification Sherloc (09022015). Collection method: clinical testing. Allele origin: germline.
Comment: This sequence change replaces isoleucine, which is neutral and non-polar, with valine, which is neutral and non-polar, at codon 262 of the C9 protein (p.Ile262Val). This variant is present in population databases (rs775577722, gnomAD 0.003%). This variant has not been reported in the literature in individuals affected with C9-related conditions. An algorithm developed to predict the effect of missense changes on protein structure and function (PolyPhen-2) suggests that this variant is likely to be tolerated. In summary, the available evidence is currently insufficient to determine the role of this variant in disease. Therefore, it has been classified as a Variant of Uncertain Significance.

NM_001737.5(C9):c.784A>G (p.Ile262Val)

Gene: C9 (complement C9; minus strand). Cytogenetic location: 5p13.1.
Variant type: single nucleotide variant.
Coding change: c.784A>G on transcript NM_001737.5 (MANE Select); coding-DNA position 784, A replaced by G.
Protein change: p.Ile262Val; replaces isoleucine 262 with valine.
Molecular consequence: missense variant.
Genome position (GRCh38, 1-based): chr5:39,315,861, T>C on the plus strand (A>G on the coding strand, the complement: C9 is on the minus strand). VCF-style: chr5-39315861-T-C. GRCh37 (hg19) VCF-style: chr5-39315963-T-C.
Other names: short protein forms I262V.
Identifiers: ClinVar variation 2750721 (VCV002750721.3), dbSNP rs775577722, ClinGen allele CA3246896.
Genomic context (GRCh38, chr5:39,315,861, plus strand): 5'-GTTGGTAAGTTTCATTTTTGGAATATGAAAACCGAAAACTACCCTTGCCATGTAAAGAAA[T>C]TGAGGAGGCTGTTTCCTCACAACATTGTTCAGCTTTATTTGTTTCAGTGGGTGTAAATTT-3'
Protein context (NP_001728.1, residues 252-272): EQCCEETASS[Ile262Val]SLHGKGSFRF